The following is an entry in ClinVar:

ClinVar aggregate classification (germline): Pathogenic/Likely pathogenic. Review status: criteria provided, multiple submitters, no conflicts (2 of 4 stars). 4 submissions from 4 submitters: Pathogenic (3); Likely pathogenic (1). Last evaluated 2024-04-03.

Conditions:
Hermansky-Pudlak syndrome (HPS). Also called: ALBINISM WITH HEMORRHAGIC DIATHESIS AND PIGMENTED RETICULOENDOTHELIAL CELLS. Identifiers: Orphanet 79430, MedGen C0079504, MONDO:0019312.
Hermansky-Pudlak syndrome 6 (HPS6). Identifiers: Orphanet 231512, Orphanet 79430, MedGen C3888007, MONDO:0013558, OMIM 614075.
HPS6-related disorders.

Allele frequency attached by ClinVar (database versions not stated): gnomAD 0.00001; gnomAD exomes 0.00001.

Submissions (4):

Fulgent Genetics
Classification: Pathogenic for Hermansky-Pudlak syndrome 6. Last evaluated: 2024-04-03. Review status: criteria provided, single submitter. Criteria: ACMG Guidelines, 2015. Collection method: clinical testing. Allele origin: germline.

Women's Health and Genetics/Laboratory Corporation of America, LabCorp
Classification: Pathogenic for Hermansky-Pudlak syndrome. Last evaluated: 2024-04-02. Review status: criteria provided, single submitter. Criteria: LabCorp Variant Classification Summary - May 2015. Collection method: clinical testing. Allele origin: germline.
Comment: Variant summary: HPS6 c.779G>A (p.Gly260Glu) results in a non-conservative amino acid change located in the BLOC-2 complex member HPS6, N-terminal domain (IPR046823) of the encoded protein sequence. Five of five in-silico tools predict a damaging effect of the variant on protein function. The variant allele was found at a frequency of 8e-06 in 250764 control chromosomes. c.779G>A has been reported in the literature as a biallelic homozygous genotype in individuals affected with Hermansky-Pudlak Syndrome (example, Hull_2016 cited in Han_2018, Downes_2019). These data indicate that the variant is very likely to be associated with disease. The following publications have been ascertained in the context of this evaluation (PMID: 31064749, 30369044, 31898847, 26823395, 35054407). ClinVar contains an entry for this variant (Variation ID: 627382). Based on the evidence outlined above, the variant was classified as pathogenic.

Blueprint Genetics
Classification: Pathogenic for HPS6-related disorders. Last evaluated: 2024-02-23. Review status: criteria provided, single submitter. Criteria: ACMG Guidelines, 2015. Collection method: clinical testing. Allele origin: germline. Affected: yes. Observed: 2 variant alleles.

NIHR Bioresource Rare Diseases, University of Cambridge
Classification: Likely pathogenic for Hermansky-Pudlak syndrome. Last evaluated: 2019-02-01. Review status: criteria provided, single submitter. Criteria: ACMG Guidelines, 2015. Collection method: research. Allele origin: unknown. Affected: yes. Observed: 1 homozygote. Study: ThromboGenomics.

Literature cited by the submitters: PubMed 31064749 (cited by Women's Health and Genetics/Laboratory Corporation of America, LabCorp and NIHR Bioresource Rare Diseases, University of Cambridge); PubMed 31898847 (cited by Women's Health and Genetics/Laboratory Corporation of America, LabCorp); PubMed 35054407 (cited by Women's Health and Genetics/Laboratory Corporation of America, LabCorp); PubMed 30369044 (cited by Women's Health and Genetics/Laboratory Corporation of America, LabCorp); PubMed 26823395 (cited by Women's Health and Genetics/Laboratory Corporation of America, LabCorp).

NM_024747.6(HPS6):c.779G>A (p.Gly260Glu)

Gene: HPS6 (HPS6 biogenesis of lysosomal organelles complex 2 subunit 3; plus strand). Cytogenetic location: 10q24.32.
Variant type: single nucleotide variant.
Coding change: c.779G>A on transcript NM_024747.6 (MANE Select); coding-DNA position 779, G replaced by A.
Protein change: p.Gly260Glu; replaces glycine 260 with glutamic acid.
Molecular consequence: missense variant.
Genome position (GRCh38, 1-based): chr10:102,066,253, G>A. VCF-style: chr10-102066253-G-A. GRCh37 (hg19) VCF-style: chr10-103826010-G-A.
Other names: short protein forms G260E.
Identifiers: ClinVar variation 627382 (VCV000627382.5), dbSNP rs1478574193, ClinGen allele CA377858885.